The following is an entry in ClinVar:

ClinVar aggregate classification (germline): Uncertain significance (1 of 4 stars; one submission).

Conditions:
Inborn genetic diseases. Identifiers: MedGen C0950123, MeSH D030342.

gnomAD v4.1: 2 of 1,613,684 alleles (0.00012%); highest among the groups gnomAD compares: Admixed American, 0.0017%; no homozygotes.

Submission:

Ambry Genetics
Classification: Uncertain significance for Inborn genetic diseases. Last evaluated: 2024-12-14. Review status: criteria provided, single submitter. Criteria: Ambry Variant Classification Scheme 2023. Collection method: clinical testing. Allele origin: germline.
Comment: The p.N1079K variant (also known as c.3237C>G), located in coding exon 1 of the SAMD9 gene, results from a C to G substitution at nucleotide position 3237. The asparagine at codon 1079 is replaced by lysine, an amino acid with similar properties. This amino acid position is conserved. In addition, this alteration is predicted to be tolerated by in silico analysis. Based on the available evidence, the clinical significance of this variant remains unclear.

NM_017654.4(SAMD9):c.3237C>G (p.Asn1079Lys)

Gene: SAMD9 (sterile alpha motif domain containing 9; minus strand). Cytogenetic location: 7q21.2.
Variant type: single nucleotide variant.
Coding change: c.3237C>G on transcript NM_017654.4 (MANE Select); coding-DNA position 3237, C replaced by G.
Protein change: p.Asn1079Lys; replaces asparagine 1079 with lysine.
Molecular consequence: missense variant.
Genome position (GRCh38, 1-based): chr7:93,102,861, G>C on the plus strand (C>G on the coding strand, the complement: SAMD9 is on the minus strand). VCF-style: chr7-93102861-G-C. GRCh37 (hg19) VCF-style: chr7-92732174-G-C.
Other names: c.3237C>G, p.Asn1079Lys (NM_001193307.2); short protein forms N1079K.
Identifiers: ClinVar variation 3791905 (VCV003791905.1).
Genomic context (GRCh38, chr7:93,102,861, plus strand): 5'-AAAGTCCTTCTTTTTAATGTAGAAATGTCTTGCCAACGCTTGGCAAATGAATGCATTTGG[G>C]TTGAACCGATGGATACTTTCAAGCAATACAGCTTCAACTGCTTCATTTCCTTCATCTTTA-3'
Protein context (NP_060124.2, residues 1069-1089): AVLLESIHRF[Asn1079Lys]PNAFICQALA